The following is an entry in ClinVar:

ClinVar aggregate classification (germline): Uncertain significance (1 of 4 stars; one submission).

Conditions:
Cardiovascular phenotype. Identifiers: MedGen CN230736.

Submission:

Ambry Genetics
Classification: Uncertain significance for Cardiovascular phenotype. Last evaluated: 2020-08-18. Review status: criteria provided, single submitter. Criteria: Ambry Variant Classification Scheme 2023. Collection method: clinical testing. Allele origin: germline.
Comment: The c.5977+1G>T intronic variant results from a G to T substitution one nucleotide after coding exon 24 of the AKAP9 gene. This nucleotide position is highly conserved in available vertebrate species. In silico splice site analysis predicts that this alteration will weaken the native splice donor site and will result in the creation or strengthening of a novel splice donor site. Alterations that disrupt the canonical splice site are expected to cause aberrant splicing, resulting in an abnormal protein or a transcript that is subject to nonsense-mediated mRNA decay. However, loss of function of AKAP9 has not been clearly established as a mechanism of disease. Since supporting evidence is limited at this time, the clinical significance of this alteration remains unclear.

NM_005751.5(AKAP9):c.5977+1G>T

Gene: AKAP9 (A-kinase anchoring protein 9; plus strand). Cytogenetic location: 7q21.2.
Variant type: single nucleotide variant.
Coding change: c.5977+1G>T on transcript NM_005751.5 (MANE Select); the canonical splice donor site of the intron after coding-DNA position 5977, G replaced by T.
Molecular consequence: splice donor variant.
Genome position (GRCh38, 1-based): chr7:92,062,487, G>T. VCF-style: chr7-92062487-G-T. GRCh37 (hg19) VCF-style: chr7-91691801-G-T.
Other names: c.5977+1G>T (NM_147185.3); c.622+1G>T (NM_001379277.1).
Identifiers: ClinVar variation 1750801 (VCV001750801.2), dbSNP rs2535195530, ClinGen allele CA368132295.
Genomic context (GRCh38, chr7:92,062,487, plus strand): 5'-GAGAATTACTGTCCAGACAAAAGGAAGCTATGAAAGCAGAGGCAGGCCCAGTTGAACAAC[G>T]TAAGTATTTTCAGAATTTGTATGAAACAGTCCTCTGATTTTATTTGTATTCTTCAAAGGC-3'